The following is an entry in ClinVar:

ClinVar aggregate classification (germline): Uncertain significance (1 of 4 stars; one submission).

Conditions:
Hereditary cancer-predisposing syndrome. Also called: Tumor predisposition; Hereditary Cancer Syndrome; Neoplastic Syndromes, Hereditary; Hereditary neoplastic syndrome. Identifiers: Orphanet 140162, MedGen C0027672, MeSH D009386, MONDO:0015356.

Submission:

Ambry Genetics
Classification: Uncertain significance for Hereditary cancer-predisposing syndrome. Last evaluated: 2026-01-09. Review status: criteria provided, single submitter. Criteria: Ambry Variant Classification Scheme 2023. Collection method: clinical testing. Allele origin: germline.
Comment: The c.1567dupG variant, located in coding exon 15 of the POLE gene, results from a duplication of G at nucleotide position 1567, causing a translational frameshift with a predicted alternate stop codon (p.E523Gfs*4). This alteration is expected to result in loss of function by premature protein truncation or nonsense-mediated mRNA decay. Although biallelic loss of function of POLE has been associated with autosomal recessive POLE deficiency, haploinsufficiency of POLE has not been established as a mechanism of disease for POLE-related polymerase proofreading-associated polyposis (PPAP) and POLE-related CMMRD-like syndrome. Based on the supporting evidence, this variant is expected to be causative of POLE deficiency when present along with a second pathogenic variant on the other allele; however, its clinical significance for PPAP and POLE-related CMMRD-like syndrome is unclear.

NM_006231.4(POLE):c.1567dup (p.Glu523fs)

Gene: POLE (DNA polymerase epsilon, catalytic subunit; minus strand). Cytogenetic location: 12q24.33.
Variant type: Duplication.
Coding change: c.1567dup on transcript NM_006231.4 (MANE Select); coding-DNA position 1567, one base duplicated (G; older notation c.1567dupG).
Protein change: p.Glu523fs; shifts the reading frame from glutamic acid 523.
Molecular consequence: frameshift variant.
Genome position (GRCh38, 1-based): chr12:132,672,746, C duplicated on the plus strand (G on the coding strand, the reverse complement: POLE is on the minus strand); the first of 2 consecutive C bases (chr12:132,672,746-132,672,747); duplicating either gives the same sequence. VCF-style (leftmost placement, unchanged base first): chr12-132672745-T-TC. GRCh37 (hg19) VCF-style: chr12-133249331-T-TC.
Other names: short protein forms E523fs.
Identifiers: ClinVar variation 484521 (VCV000484521.6), dbSNP rs1555228310, ClinGen allele CA658658219.
Genomic context (GRCh38, chr12:132,672,745, plus strand): 5'-TGGCCCCCGACGTAGGTCTCAGAGTCCAGCACGTGTCCGTCGTCCGTCAGCTTATTGAAC[T>TC]CCTGCTCTTGCTTGTTGGGGAAGATGATGTTGGCGTGGAAGGCCTGCACCATCAGCAAGG-3'